The following is an entry in ClinVar:

ClinVar aggregate classification (germline): Pathogenic/Likely pathogenic. Review status: criteria provided, multiple submitters, no conflicts (2 of 4 stars). 4 submissions from 4 submitters: Pathogenic (1); Likely pathogenic (2). 1 of the submissions does not count toward it. Last evaluated 2026-07-08.

Conditions:
BBS12-related disorder. Also called: BBS12-related condition.
Bardet-Biedl syndrome 12 (BBS12). Identifiers: Orphanet 110, MedGen C1859570, MONDO:0014440, OMIM 615989.
Bardet-Biedl syndrome (BBS). Identifiers: Orphanet 110, MedGen C0752166, MONDO:0015229.

Submissions (4):

PreventionGenetics, part of Exact Sciences
Classification: Likely pathogenic for BBS12-related condition. Last evaluated: 2026-07-08. Review status: criteria provided, single submitter. Criteria: ACMG Guidelines, 2015. Collection method: clinical testing. Allele origin: germline.
Comment: The BBS12 c.424dupG variant is predicted to result in a frameshift and premature protein termination (p.Asp142Glyfs*10). To our knowledge, this variant has not been reported in the literature or in a large population database, indicating this variant is rare. This variant has interpretations of likely pathogenic and pathogenic in ClinVar (Variation ID: 555890 ). Frameshift variants in BBS12 are expected to be pathogenic. This variant is interpreted as likely pathogenic.

Labcorp Genetics (formerly Invitae), Labcorp
Classification: Pathogenic for Bardet-Biedl syndrome. Last evaluated: 2025-12-06. Review status: criteria provided, single submitter. Criteria: Invitae Variant Classification Sherloc (09022015). Collection method: clinical testing. Allele origin: germline.
Comment: This sequence change creates a premature translational stop signal (p.Asp142Glyfs*10) in the BBS12 gene. While this is not anticipated to result in nonsense mediated decay, it is expected to disrupt the last 569 amino acid(s) of the BBS12 protein. This variant is not present in population databases (gnomAD no frequency). This variant has not been reported in the literature in individuals affected with BBS12-related conditions. ClinVar contains an entry for this variant (Variation ID: 555890). This variant disrupts a region of the BBS12 protein in which other variant(s) (p.Arg675*) have been determined to be pathogenic (PMID: 20827784, 21642631). This suggests that this is a clinically significant region of the protein, and that variants that disrupt it are likely to be disease-causing. For these reasons, this variant has been classified as Pathogenic.

Fulgent Genetics
Classification: Likely pathogenic for Bardet-Biedl syndrome 12. Last evaluated: 2022-04-12. Review status: criteria provided, single submitter. Criteria: ACMG Guidelines, 2015. Collection method: clinical testing. Allele origin: unknown.

Counsyl
Classification: Likely pathogenic for Bardet-Biedl syndrome 12. Last evaluated: 2018-01-08. Review status: no assertion criteria provided. Collection method: clinical testing. Allele origin: unknown. Not counted in ClinVar's aggregate classification.

Literature cited by the submitters: PubMed 20827784 (cited by Labcorp Genetics (formerly Invitae), Labcorp); PubMed 21642631 (cited by Labcorp Genetics (formerly Invitae), Labcorp).

NM_152618.3(BBS12):c.424dup (p.Asp142fs)

Gene: BBS12 (Bardet-Biedl syndrome 12; plus strand). Cytogenetic location: 4q27.
Variant type: Duplication.
Coding change: c.424dup on transcript NM_152618.3 (MANE Select); coding-DNA position 424, one base duplicated (G; older notation c.424dupG).
Protein change: p.Asp142fs; shifts the reading frame from aspartic acid 142.
Molecular consequence: frameshift variant.
Genome position (GRCh38, 1-based): chr4:122,742,316, G duplicated; the last of 2 consecutive G bases (chr4:122,742,315-122,742,316); duplicating either gives the same sequence. VCF-style (leftmost placement, unchanged base first): chr4-122742314-T-TG. GRCh37 (hg19) VCF-style: chr4-123663469-T-TG.
Other names: c.424dup, p.Asp142fs (NM_001178007.2); c.424dupG (NM_152618.2); short protein forms D142fs.
Identifiers: ClinVar variation 555890 (VCV000555890.12), dbSNP rs1553941258, ClinGen allele CA658821370.
Genomic context (GRCh38, chr4:122,742,314, plus strand): 5'-ACTTTTGTAGTGAAGAGGTAGTTTCTCTTCATGTACCTGTTCACAATATATTTGACTGTA[T>TG]GGACAGCACAAAAACATTTTCTCAACTTGAAACATTTAGTGTAAGTTTGTGTCCTTTTCT-3'